The following is an entry in ClinVar:

ClinVar aggregate classification (germline): Conflicting classifications of pathogenicity. Review status: criteria provided, conflicting classifications (1 of 4 stars). 2 submissions from 2 submitters: Uncertain significance (1); Benign (1). Last evaluated 2026-01-28.

Conditions:
Osteogenesis imperfecta type 7 (OI7). Also called: OSTEOGENESIS IMPERFECTA, TYPE IIB; Osteogenesis imperfecta type 2B; OI type 2B; Osteogenesis imperfecta, perinatal lethal autosomal recessive; OI type IIB; OI type 7. Identifiers: MedGen C1853162, MONDO:0012536, OMIM 610682.

Allele frequency attached by ClinVar (database versions not stated): gnomAD 0.00001 and 0.00004; TOPMed 0.00001; gnomAD exomes 0.00014 and 0.00031; 1000 Genomes Project 30x 0.00016; 1000 Genomes Project 0.00020; ExAC 0.00054.
gnomAD v4.1: 200 of 1,590,490 alleles (0.013%); highest among the groups gnomAD compares: South Asian, 0.21%; 1 homozygote.

Submissions (2):

Labcorp Genetics (formerly Invitae), Labcorp
Classification: Benign for Osteogenesis imperfecta type 7. Last evaluated: 2026-01-28. Review status: criteria provided, single submitter. Criteria: Invitae Variant Classification Sherloc (09022015). Collection method: clinical testing. Allele origin: germline.

GeneDx
Classification: Uncertain significance. Last evaluated: 2025-07-01. Review status: criteria provided, single submitter. Criteria: GeneDx Variant Classification Process June 2021. Collection method: clinical testing. Allele origin: germline. Affected: yes.
Comment: In silico analysis suggests that this missense variant does not alter protein structure/function; Has not been previously published as pathogenic or benign to our knowledge

NM_006371.5(CRTAP):c.167G>A (p.Ser56Asn)

Gene: CRTAP (cartilage associated protein; plus strand). Cytogenetic location: 3p22.3.
Variant type: single nucleotide variant.
Coding change: c.167G>A on transcript NM_006371.5 (MANE Select); coding-DNA position 167, G replaced by A.
Protein change: p.Ser56Asn; replaces serine 56 with asparagine.
Molecular consequence: missense variant.
Genome position (GRCh38, 1-based): chr3:33,114,244, G>A. VCF-style: chr3-33114244-G-A. GRCh37 (hg19) VCF-style: chr3-33155736-G-A.
Other names: c.167G>A (NM_006371.4); short protein forms S56N.
Identifiers: ClinVar variation 1164698 (VCV001164698.8), dbSNP rs571617130, ClinGen allele CA2300217.